The following is an entry in ClinVar:

NM_017849.4(TMEM127):c.662C>T (p.Pro221Leu)

Gene: TMEM127 (transmembrane protein 127; minus strand). Cytogenetic location: 2q11.2.
Variant type: single nucleotide variant.
Coding change: c.662C>T on transcript NM_017849.4 (MANE Select); coding-DNA position 662, C replaced by T.
Protein change: p.Pro221Leu; replaces proline 221 with leucine.
Molecular consequence: missense variant.
Genome position (GRCh38, 1-based): chr2:96,253,863, G>A on the plus strand (C>T on the coding strand, the complement: TMEM127 is on the minus strand). VCF-style: chr2-96253863-G-A. GRCh37 (hg19) VCF-style: chr2-96919601-G-A.
Other names: c.662C>T, p.Pro221Leu (NM_001193304.3); short protein forms P221L.
Identifiers: ClinVar variation 648969 (VCV000648969.15), dbSNP rs144326855, ClinGen allele CA52411922.

ClinVar aggregate classification (germline): Uncertain significance. Review status: criteria provided, multiple submitters, no conflicts (2 of 4 stars). 3 submissions from 3 submitters: Uncertain significance (3). Last evaluated 2026-02-18.

Conditions:
TMEM127-related disorder. Also called: TMEM127-related condition.
Hereditary cancer-predisposing syndrome. Also called: Neoplastic Syndromes, Hereditary; Tumor predisposition; Hereditary neoplastic syndrome; Hereditary Cancer Syndrome. Identifiers: Orphanet 140162, MedGen C0027672, MeSH D009386, MONDO:0015356.
Hereditary pheochromocytoma and paraganglioma. Also called: Hereditary pheochromocytoma-paraganglioma; Hereditary paragangliomas and pheochromocytomas; Hereditary Paraganglioma-Pheochromocytoma Syndromes. Identifiers: Orphanet 29072, MedGen C4274332, MONDO:0017366.

Allele frequency attached by ClinVar (database versions not stated): gnomAD 0.00001; gnomAD exomes 0.00001 and 0.00003; TOPMed 0.00001; ESP Exome Variant Server 0.00008.
gnomAD v4.1: 13 of 1,613,920 alleles (0.00081%); highest among the groups gnomAD compares: East Asian, 0.0022%; no homozygotes.

Submissions (3):

PreventionGenetics, part of Exact Sciences
Classification: Uncertain significance for TMEM127-related condition. Last evaluated: 2026-02-18. Review status: criteria provided, single submitter. Criteria: ACMG Guidelines, 2015. Collection method: clinical testing. Allele origin: germline.
Comment: The TMEM127 c.662C>T variant is predicted to result in the amino acid substitution p.Pro221Leu. To our knowledge, this variant has not been reported in the literature. This variant is reported in 0.0065% of alleles in individuals of South Asian descent in gnomAD. This variant has an interpretation of uncertain significance in ClinVar (Variation ID: 648969). At this time, the clinical significance of this variant is uncertain due to the absence of conclusive functional and genetic evidence.

Labcorp Genetics (formerly Invitae), Labcorp
Classification: Uncertain significance for Hereditary pheochromocytoma and paraganglioma. Last evaluated: 2025-07-21. Review status: criteria provided, single submitter. Criteria: Invitae Variant Classification Sherloc (09022015). Collection method: clinical testing. Allele origin: germline.
Comment: This sequence change replaces proline, which is neutral and non-polar, with leucine, which is neutral and non-polar, at codon 221 of the TMEM127 protein (p.Pro221Leu). This variant is present in population databases (rs144326855, gnomAD 0.006%). This variant has not been reported in the literature in individuals affected with TMEM127-related conditions. ClinVar contains an entry for this variant (Variation ID: 648969). An algorithm developed to predict the effect of missense changes on protein structure and function (PolyPhen-2) suggests that this variant is likely to be disruptive. In summary, the available evidence is currently insufficient to determine the role of this variant in disease. Therefore, it has been classified as a Variant of Uncertain Significance.

Ambry Genetics
Classification: Uncertain significance for Hereditary cancer-predisposing syndrome. Last evaluated: 2025-03-22. Review status: criteria provided, single submitter. Criteria: Ambry Variant Classification Scheme 2023. Collection method: clinical testing. Allele origin: germline.
Comment: The p.P221L variant (also known as c.662C>T), located in coding exon 3 of the TMEM127 gene, results from a C to T substitution at nucleotide position 662. The proline at codon 221 is replaced by leucine, an amino acid with similar properties. This amino acid position is highly conserved in available vertebrate species. In addition, this alteration is predicted to be deleterious by in silico analysis. Since supporting evidence is limited at this time, the clinical significance of this alteration remains unclear.